The following is an entry in ClinVar:

ClinVar aggregate classification (germline): Uncertain significance (1 of 4 stars; one submission).

Conditions:
Hereditary cancer-predisposing syndrome. Also called: Hereditary Cancer Syndrome; Tumor predisposition; Hereditary neoplastic syndrome; Neoplastic Syndromes, Hereditary. Identifiers: Orphanet 140162, MedGen C0027672, MeSH D009386, MONDO:0015356.
Cardiovascular phenotype. Identifiers: MedGen CN230736.

gnomAD v4.1: 2 of 1,614,130 alleles (0.00012%); no homozygotes.

Submission:

Ambry Genetics
Classification: Uncertain significance for Cardiovascular phenotype; Hereditary cancer-predisposing syndrome. Last evaluated: 2024-10-03. Review status: criteria provided, single submitter. Criteria: Ambry Variant Classification Scheme 2023. Collection method: clinical testing. Allele origin: germline.
Comment: The p.S2159F variant (also known as c.6476C>T), located in coding exon 42 of the NF1 gene, results from a C to T substitution at nucleotide position 6476. The serine at codon 2159 is replaced by phenylalanine, an amino acid with highly dissimilar properties. This amino acid position is highly conserved in available vertebrate species. In addition, the in silico prediction for this alteration is inconclusive. Based on the available evidence, the clinical significance of this variant remains unclear.

NM_001042492.3(NF1):c.6539C>T (p.Ser2180Phe)

Gene: NF1 (neurofibromin 1; plus strand). Cytogenetic location: 17q11.2.
Variant type: single nucleotide variant.
Coding change: c.6539C>T on transcript NM_001042492.3 (MANE Select); coding-DNA position 6539, C replaced by T.
Protein change: p.Ser2180Phe; replaces serine 2180 with phenylalanine.
Molecular consequence: missense variant.
Genome position (GRCh38, 1-based): chr17:31,337,479, C>T. VCF-style: chr17-31337479-C-T. GRCh37 (hg19) VCF-style: chr17-29664497-C-T.
Other names: c.6476C>T, p.Ser2159Phe (NM_000267.4); short protein forms S2180F, S2159F.
Identifiers: ClinVar variation 3404753 (VCV003404753.1).